The following is an entry in ClinVar:

ClinVar aggregate classification (germline): Pathogenic. Review status: criteria provided, multiple submitters, no conflicts (2 of 4 stars). 6 submissions from 6 submitters: Pathogenic (5). 1 of the submissions does not count toward it. Last evaluated 2024-11-12.

Conditions:
Autosomal recessive limb-girdle muscular dystrophy type 2D (LGMDR3). Also called: MUSCULAR DYSTROPHY, LIMB-GIRDLE, AUTOSOMAL RECESSIVE 3; ADHALINOPATHY, PRIMARY; DUCHENNE-LIKE AUTOSOMAL RECESSIVE MUSCULAR DYSTROPHY, TYPE 2. Identifiers: Orphanet 62, MedGen C2936332, MONDO:0011968, OMIM 608099. Disease mechanism: Affects gamma-sarcoglycan and also disrupts the integrity of the entire sarcoglycan complex..

Allele frequency attached by ClinVar (database versions not stated): TOPMed below 0.00001; gnomAD 0.00001.
gnomAD v4.1: 1 of 1,613,904 alleles (0.000062%); highest among the groups gnomAD compares: East Asian, 0.0022%; no homozygotes.

Submissions (6):

Natera, Inc.
Classification: Pathogenic for Limb-girdle muscular dystrophy type 2D. Last evaluated: 2024-11-12. Review status: criteria provided, single submitter. Criteria: Natera Variant Classification Schema (03/2026). Collection method: clinical testing. Allele origin: germline.
Comment: The c.313-2A>G variant in SGCA is a canonical splice acceptor site variant predicted to affect pre-mRNA splicing, which may result in an abnormal transcript and altered protein product. This variant is expected to result in nonsense mediated decay, truncation, or a dysfunctional protein product. This variant is rare in the general population with a frequency below the threshold expected for the associated phenotype(s). This variant has been observed in one or more individuals affected with the associated recessive disease, as either homozygous or compound heterozygous with a second variant (PMID: 30764848). Given the available evidence, this variant is classified as Pathogenic.

Baylor Genetics
Classification: Pathogenic for Autosomal recessive limb-girdle muscular dystrophy type 2D. Last evaluated: 2024-02-02. Review status: criteria provided, single submitter. Criteria: ACMG Guidelines, 2015. Collection method: clinical testing. Allele origin: unknown.

Genome-Nilou Lab
Classification: Pathogenic for Autosomal recessive limb-girdle muscular dystrophy type 2D. Last evaluated: 2023-02-08. Review status: criteria provided, single submitter. Criteria: ACMG Guidelines, 2015. Collection method: clinical testing. Allele origin: germline.

Labcorp Genetics (formerly Invitae), Labcorp
Classification: Pathogenic for Autosomal recessive limb-girdle muscular dystrophy type 2D. Last evaluated: 2022-09-06. Review status: criteria provided, single submitter. Criteria: Invitae Variant Classification Sherloc (09022015). Collection method: clinical testing. Allele origin: germline.
Comment: This sequence change affects an acceptor splice site in intron 3 of the SGCA gene. It is expected to disrupt RNA splicing. Variants that disrupt the donor or acceptor splice site typically lead to a loss of protein function (PMID: 16199547), and loss-of-function variants in SGCA are known to be pathogenic (PMID: 9192266). This variant is not present in population databases (gnomAD no frequency). Disruption of this splice site has been observed in individual(s) with limb-girdle muscular dystrophy (PMID: 30764848). In at least one individual the data is consistent with being in trans (on the opposite chromosome) from a pathogenic variant. ClinVar contains an entry for this variant (Variation ID: 370642). Algorithms developed to predict the effect of sequence changes on RNA splicing suggest that this variant may disrupt the consensus splice site. For these reasons, this variant has been classified as Pathogenic.

Juno Genomics, Hangzhou Juno Genomics, Inc
Classification: Pathogenic for Autosomal recessive limb-girdle muscular dystrophy type 2D. Review status: criteria provided, single submitter. Criteria: ACMG Guidelines, 2015. Collection method: clinical testing. Allele origin: germline.
Comment: Absent from controls (or at extremely low frequency if recessive) in Genome Aggregation Database.;Null variant in a gene where loss of function (LOF) is a known mechanism of disease.;For recessive disorders, detected in trans with a pathogenic variant.

Counsyl
Classification: Likely pathogenic for Autosomal recessive limb-girdle muscular dystrophy type 2D. Last evaluated: 2016-03-15. Review status: no assertion criteria provided. Collection method: clinical testing. Allele origin: unknown. Not counted in ClinVar's aggregate classification.

Literature cited by the submitters: PubMed 30764848 (cited by Natera, Inc. and Labcorp Genetics (formerly Invitae), Labcorp); PubMed 16199547 (cited by Labcorp Genetics (formerly Invitae), Labcorp); PubMed 9192266 (cited by Labcorp Genetics (formerly Invitae), Labcorp).

NM_000023.4(SGCA):c.313-2A>G

Gene: SGCA (sarcoglycan alpha; plus strand). Cytogenetic location: 17q21.33.
Variant type: single nucleotide variant.
Coding change: c.313-2A>G on transcript NM_000023.4 (MANE Select); the canonical splice acceptor site of the intron before coding-DNA position 313, A replaced by G.
Molecular consequence: splice acceptor variant.
Genome position (GRCh38, 1-based): chr17:50,167,945, A>G. VCF-style: chr17-50167945-A-G. GRCh37 (hg19) VCF-style: chr17-48245306-A-G.
Other names: c.313-2A>G (NM_001135697.3, NM_000023.3).
Identifiers: ClinVar variation 370642 (VCV000370642.14), dbSNP rs1057516650, ClinGen allele CA16041848.